The following is an entry in ClinVar:

NM_004064.5(CDKN1B):c.338G>A (p.Arg113His)

Gene: CDKN1B (cyclin dependent kinase inhibitor 1B; plus strand). Cytogenetic location: 12p13.1.
Variant type: single nucleotide variant.
Coding change: c.338G>A on transcript NM_004064.5 (MANE Select); coding-DNA position 338, G replaced by A.
Protein change: p.Arg113His; replaces arginine 113 with histidine.
Molecular consequence: missense variant.
Genome position (GRCh38, 1-based): chr12:12,718,177, G>A. VCF-style: chr12-12718177-G-A. GRCh37 (hg19) VCF-style: chr12-12871111-G-A.
Other names: c.338G>A (NM_004064.3); short protein forms R113H.
Identifiers: ClinVar variation 834127 (VCV000834127.10), dbSNP rs767109665, ClinGen allele CA6457466.

ClinVar aggregate classification (germline): Uncertain significance. Review status: criteria provided, multiple submitters, no conflicts (2 of 4 stars). 2 submissions from 2 submitters: Uncertain significance (2). Last evaluated 2025-07-15.

Conditions:
Multiple endocrine neoplasia type 4. Also called: MULTIPLE ENDOCRINE NEOPLASIA, TYPE IV. Identifiers: Orphanet 276152, MedGen C1970712, MONDO:0012552, OMIM 610755.
Hereditary cancer-predisposing syndrome. Also called: Neoplastic Syndromes, Hereditary; Hereditary neoplastic syndrome; Tumor predisposition; Hereditary Cancer Syndrome. Identifiers: Orphanet 140162, MedGen C0027672, MeSH D009386, MONDO:0015356.

Allele frequency attached by ClinVar (database versions not stated): gnomAD exomes below 0.00001; ExAC 0.00001; TOPMed 0.00001.
gnomAD v4.1: 15 of 1,612,888 alleles (0.00093%); highest among the groups gnomAD compares: Admixed American, 0.0017%; no homozygotes.

Submissions (2):

Labcorp Genetics (formerly Invitae), Labcorp
Classification: Uncertain significance for Multiple endocrine neoplasia type 4. Last evaluated: 2025-07-15. Review status: criteria provided, single submitter. Criteria: Invitae Variant Classification Sherloc (09022015). Collection method: clinical testing. Allele origin: germline.
Comment: This sequence change replaces arginine, which is basic and polar, with histidine, which is basic and polar, at codon 113 of the CDKN1B protein (p.Arg113His). This variant is present in population databases (rs767109665, gnomAD 0.0009%). This variant has not been reported in the literature in individuals affected with CDKN1B-related conditions. ClinVar contains an entry for this variant (Variation ID: 834127). An algorithm developed to predict the effect of missense changes on protein structure and function (PolyPhen-2) suggests that this variant is likely to be disruptive. In summary, the available evidence is currently insufficient to determine the role of this variant in disease. Therefore, it has been classified as a Variant of Uncertain Significance.

Ambry Genetics
Classification: Uncertain significance for Hereditary cancer-predisposing syndrome. Last evaluated: 2025-01-11. Review status: criteria provided, single submitter. Criteria: Ambry Variant Classification Scheme 2023. Collection method: clinical testing. Allele origin: germline.
Comment: The p.R113H variant (also known as c.338G>A), located in coding exon 1 of the CDKN1B gene, results from a G to A substitution at nucleotide position 338. The arginine at codon 113 is replaced by histidine, an amino acid with highly similar properties. This amino acid position is not well conserved in available vertebrate species. In addition, this alteration is predicted to be tolerated by in silico analysis. Based on the available evidence, the clinical significance of this variant remains unclear.